The following is an entry in ClinVar:

ClinVar aggregate classification (germline): Pathogenic (1 of 4 stars; one submission).

Submission:

Medical Genetic Center, Changzhi Maternal and Child Health Care Hospital
Classification: Pathogenic. Last evaluated: 2025-12-10. Review status: criteria provided, single submitter. Criteria: ACMG/ClinGen CNV Guidelines, 2019. Collection method: clinical testing. Allele origin: unknown.
Comment: 2A:17q12 recurrent (RCAD syndrome) region (includes HNF1B)

GRCh38/hg38 17q12(chr17:36121781-38214937)x3

Genes: AATF (apoptosis antagonizing transcription factor; plus strand), ACACA (acetyl-CoA carboxylase alpha; minus strand), C17orf78 (chromosome 17 open reading frame 78; plus strand), CCL3L3 (C-C motif chemokine ligand 3 like 3; minus strand), CCL4L2 (C-C motif chemokine ligand 4 like 2; plus strand) and 43 more. Cytogenetic location: 17q12.
Variant type: copy number gain.
Change: copy number 3 (three copies instead of two) of chr17:36,121,781-38,214,937 (2.09 Mb, GRCh38 coordinates, 1-based), cytogenetic band 17q12.
Identifiers: ClinVar variation 4796236 (VCV004796236.1).